The following is an entry in ClinVar:

ClinVar aggregate classification (germline): Conflicting classifications of pathogenicity. Review status: criteria provided, conflicting classifications (1 of 4 stars). 4 submissions from 4 submitters: Uncertain significance (2); Likely benign (1). 1 of the submissions does not count toward it. Last evaluated 2025-12-09.

Conditions:
Nemaline myopathy 2 (NEM2). Also called: Nemaline myopathy 2, autosomal recessive. Identifiers: MedGen C1850569, MONDO:0009725, OMIM 256030.

Allele frequency attached by ClinVar (database versions not stated): gnomAD exomes 0.00001 and 0.00004; ExAC 0.00002; gnomAD 0.00004; TOPMed 0.00004.
gnomAD v4.1: 65 of 1,613,042 alleles (0.004%); highest among the groups gnomAD compares: Non-Finnish European, 0.0053%; no homozygotes.

Submissions (4):

Labcorp Genetics (formerly Invitae), Labcorp
Classification: Likely benign for Nemaline myopathy 2. Last evaluated: 2025-12-09. Review status: criteria provided, single submitter. Criteria: Invitae Variant Classification Sherloc (09022015). Collection method: clinical testing. Allele origin: germline.

GeneDx
Classification: Uncertain significance. Last evaluated: 2024-03-25. Review status: criteria provided, single submitter. Criteria: GeneDx Variant Classification Process June 2021. Collection method: clinical testing. Allele origin: germline. Affected: yes.
Comment: Not observed at significant frequency in large population cohorts (gnomAD); Has not been previously published as pathogenic or benign in association with a NEB-related disorder to our knowledge; In silico analysis supports that this missense variant does not alter protein structure/function; This variant is associated with the following publications: (PMID: 36920900)

Revvity Omics, Revvity
Classification: Uncertain significance. Last evaluated: 2021-02-04. Review status: criteria provided, single submitter. Criteria: ACMG Guidelines, 2015. Collection method: clinical testing. Allele origin: germline.

Natera, Inc.
Classification: Uncertain significance for Nemaline myopathy type 2. Last evaluated: 2020-03-10. Review status: no assertion criteria provided. Collection method: clinical testing. Allele origin: germline. Not counted in ClinVar's aggregate classification.

NM_001164508.2(NEB):c.6011T>C (p.Val2004Ala)

Gene: NEB (nebulin; minus strand). Cytogenetic location: 2q23.3.
Variant type: single nucleotide variant.
Coding change: c.6011T>C on transcript NM_001164508.2 (MANE Select); coding-DNA position 6011, T replaced by C.
Protein change: p.Val2004Ala; replaces valine 2004 with alanine.
Molecular consequence: missense variant.
Genome position (GRCh38, 1-based): chr2:151,659,129, A>G on the plus strand (T>C on the coding strand, the complement: NEB is on the minus strand). VCF-style: chr2-151659129-A-G. GRCh37 (hg19) VCF-style: chr2-152515643-A-G.
Other names: c.6011T>C, p.Val2004Ala (NM_001164507.2, NM_001271208.2, NM_004543.5); c.6011T>C (NM_001271208.1); short protein forms V2004A.
Identifiers: ClinVar variation 1018771 (VCV001018771.14), dbSNP rs764064217, ClinGen allele CA1910206.